The following is an entry in ClinVar:

ClinVar aggregate classification (germline): Likely pathogenic. Review status: criteria provided, single submitter (1 of 4 stars). 2 submissions from 2 submitters: Likely pathogenic (1). 1 of the submissions does not count toward it. Last evaluated 2021-06-13.

Conditions:
Congenital hyperammonemia, type I. Also called: Carbamoyl-phosphate synthase I deficiency; Carbamoyl phosphate synthetase I deficiency disease; CPS I DEFICIENCY; Carbamoyl phosphate synthetase 1 deficiency; Hyperammonemia due to carbamoyl phosphate synthetase 1 deficiency; CPS 1 deficiency. Identifiers: Orphanet 147, MedGen C4082171, MONDO:0009376, OMIM 237300.

Allele frequency attached by ClinVar (database versions not stated): gnomAD exomes below 0.00001; ExAC 0.00001.
gnomAD v4.1: 1 of 1,526,966 alleles (0.000065%); highest among the groups gnomAD compares: Non-Finnish European, 0.000089%; no homozygotes.

Submissions (2):

Labcorp Genetics (formerly Invitae), Labcorp
Classification: Likely pathogenic for Congenital hyperammonemia, type I. Last evaluated: 2021-06-13. Review status: criteria provided, single submitter. Criteria: Invitae Variant Classification Sherloc (09022015). Collection method: clinical testing. Allele origin: germline.
Comment: In summary, the currently available evidence indicates that the variant is pathogenic, but additional data are needed to prove that conclusively. Therefore, this variant has been classified as Likely Pathogenic. Algorithms developed to predict the effect of sequence changes on RNA splicing suggest that this variant may disrupt the consensus splice site, but this prediction has not been confirmed by published transcriptional studies. This variant has been observed in individual(s) with carbamoyl phosphate synthetase I deficiency (PMID: 21120950). ClinVar contains an entry for this variant (Variation ID: 552522). This variant is present in population databases (rs766584384, ExAC 0.002%). This sequence change affects an acceptor splice site in intron 29 of the CPS1 gene. It is expected to disrupt RNA splicing. Variants that disrupt the donor or acceptor splice site typically lead to a loss of protein function (PMID: 16199547), and loss-of-function variants in CPS1 are known to be pathogenic (PMID: 21120950).

Counsyl
Classification: Likely pathogenic for Congenital hyperammonemia, type I. Last evaluated: 2017-06-21. Review status: no assertion criteria provided. Collection method: clinical testing. Allele origin: unknown. Not counted in ClinVar's aggregate classification.

Literature cited by the submitters: PubMed 21120950 (cited by Labcorp Genetics (formerly Invitae), Labcorp and Counsyl); PubMed 16199547 (cited by Labcorp Genetics (formerly Invitae), Labcorp).

NM_001875.5(CPS1):c.3559-2A>G

Gene: CPS1 (carbamoyl-phosphate synthase 1; plus strand). Cytogenetic location: 2q34.
Variant type: single nucleotide variant.
Coding change: c.3559-2A>G on transcript NM_001875.5 (MANE Select); the canonical splice acceptor site of the intron before coding-DNA position 3559, A replaced by G.
Molecular consequence: splice acceptor variant.
Genome position (GRCh38, 1-based): chr2:210,656,523, A>G. VCF-style: chr2-210656523-A-G. GRCh37 (hg19) VCF-style: chr2-211521247-A-G.
Other names: c.3559-2A>G (NM_001369257.1, NM_001122633.3); c.3592-2A>G (NM_001369256.1).
Identifiers: ClinVar variation 552522 (VCV000552522.10), dbSNP rs766584384, ClinGen allele CA2087013.